The following is an entry in ClinVar:

NM_013372.7(GREM1):c.377A>G (p.Tyr126Cys)

Gene: GREM1 (gremlin 1, DAN family BMP antagonist; plus strand). Cytogenetic location: 15q13.3.
Variant type: single nucleotide variant.
Coding change: c.377A>G on transcript NM_013372.7 (MANE Select); coding-DNA position 377, A replaced by G.
Protein change: p.Tyr126Cys; replaces tyrosine 126 with cysteine.
Molecular consequence: missense variant.
Genome position (GRCh38, 1-based): chr15:32,731,067, A>G. VCF-style: chr15-32731067-A-G. GRCh37 (hg19) VCF-style: chr15-33023268-A-G.
Other names: c.167A>G, p.Tyr56Cys (NM_001191322.2); c.254A>G, p.Tyr85Cys (NM_001191323.2); c.377A>G, p.Tyr126Cys (NM_001368719.1); short protein forms Y56C, Y126C, Y85C.
Identifiers: ClinVar variation 4643521 (VCV004643521.1).

ClinVar aggregate classification (germline): Uncertain significance (1 of 4 stars; one submission).

Conditions:
Hereditary cancer-predisposing syndrome. Also called: Neoplastic Syndromes, Hereditary; Tumor predisposition; Hereditary Cancer Syndrome; Hereditary neoplastic syndrome. Identifiers: Orphanet 140162, MedGen C0027672, MeSH D009386, MONDO:0015356.

Submission:

Ambry Genetics
Classification: Uncertain significance for Hereditary cancer-predisposing syndrome. Last evaluated: 2025-12-13. Review status: criteria provided, single submitter. Criteria: Ambry Variant Classification Scheme 2023. Collection method: clinical testing. Allele origin: germline.
Comment: The p.Y126C variant (also known as c.377A>G), located in coding exon 1 of the GREM1 gene, results from an A to G substitution at nucleotide position 377. The tyrosine at codon 126 is replaced by cysteine, an amino acid with highly dissimilar properties. This amino acid position is conserved. In addition, this alteration is predicted to be deleterious by in silico analysis. Based on the available evidence, the clinical significance of this variant remains unclear.